The following is an entry in ClinVar:

ClinVar aggregate classification (germline): Uncertain significance (0 of 4 stars; one submission).

Conditions:
PLXNA4-related disorder. Also called: PLXNA4-related condition.

gnomAD v4.1: 2 of 1,614,150 alleles (0.00012%); highest among the groups gnomAD compares: Non-Finnish European, 0.00017%; no homozygotes.

Submission:

PreventionGenetics, part of Exact Sciences
Classification: Uncertain significance for PLXNA4-related condition. Last evaluated: 2024-08-18. Review status: no assertion criteria provided. Collection method: clinical testing. Allele origin: germline.
Comment: The PLXNA4 c.3191A>G variant is predicted to result in the amino acid substitution p.His1064Arg. To our knowledge, this variant has not been reported in the literature. This variant is reported in 0.0018% of alleles in individuals of European (Non-Finnish) descent in gnomAD. At this time, the clinical significance of this variant is uncertain due to the absence of conclusive functional and genetic evidence.

NM_020911.2(PLXNA4):c.3191A>G (p.His1064Arg)

Gene: PLXNA4 (plexin A4; minus strand). Cytogenetic location: 7q32.3.
Variant type: single nucleotide variant.
Coding change: c.3191A>G on transcript NM_020911.2 (MANE Select); coding-DNA position 3191, A replaced by G.
Protein change: p.His1064Arg; replaces histidine 1064 with arginine.
Molecular consequence: missense variant.
Genome position (GRCh38, 1-based): chr7:132,182,158, T>C on the plus strand (A>G on the coding strand, the complement: PLXNA4 is on the minus strand). VCF-style: chr7-132182158-T-C. GRCh37 (hg19) VCF-style: chr7-131866917-T-C.
Other names: c.3191A>G, p.His1064Arg (NM_001393897.1); short protein forms H1064R.
Identifiers: ClinVar variation 3354881 (VCV003354881.1).